The following is an entry in ClinVar:

ClinVar aggregate classification (germline): Likely pathogenic (1 of 4 stars; one submission).

Conditions:
Deficiency of steroid 17-alpha-monooxygenase. Also called: ADRENAL HYPERPLASIA V; 17-ALPHA-HYDROXYLASE DEFICIENCY; Congenital adrenal hyperplasia due to 17-alpha-hydroxylase deficiency; Congenital adrenal hyperplasia type 5; 17-alpha-hydroxylase/17,20-lyase deficiency. Identifiers: Orphanet 90793, MedGen C0268285, MONDO:0008730, OMIM 202110.

Submission:

Natera, Inc.
Classification: Likely pathogenic for Deficiency of steroid 17-alpha-monooxygenase. Last evaluated: 2024-07-01. Review status: criteria provided, single submitter. Criteria: Natera Variant Classification Schema (03/2026). Collection method: clinical testing. Allele origin: germline.
Comment: The c.1112del variant in CYP17A1 is a frameshift variant predicted to shift the reading frame beginning at codon 371 and leads to a stop codon 48 codons downstream. This variant is expected to result in nonsense mediated decay, truncation, or a dysfunctional protein product. This variant is rare in the general population with a frequency below the threshold expected for the associated phenotype(s). Given the available evidence, this variant is classified as Likely Pathogenic.

NM_000102.4(CYP17A1):c.1112del (p.Ile371fs)

Gene: CYP17A1 (cytochrome P450 family 17 subfamily A member 1; minus strand). Cytogenetic location: 10q24.32.
Variant type: Deletion.
Coding change: c.1112del on transcript NM_000102.4 (MANE Select); coding-DNA position 1112, one base deleted (T; older notation c.1112delT).
Protein change: p.Ile371fs; shifts the reading frame from isoleucine 371.
Molecular consequence: frameshift variant.
Genome position (GRCh38, 1-based): chr10:102,832,538, A deleted on the plus strand (T on the coding strand, the reverse complement: CYP17A1 is on the minus strand). VCF-style (leftmost placement, unchanged base first): chr10-102832537-GA-G. GRCh37 (hg19) VCF-style: chr10-104592294-GA-G.
Other names: short protein forms I371fs.
Identifiers: ClinVar variation 4817433 (VCV004817433.1).